The following is an entry in ClinVar:

NM_001170629.2(CHD8):c.4871G>A (p.Trp1624Ter)

Gene: CHD8 (chromodomain helicase DNA binding protein 8; minus strand). Cytogenetic location: 14q11.2.
Variant type: single nucleotide variant.
Coding change: c.4871G>A on transcript NM_001170629.2 (MANE Select); coding-DNA position 4871, G replaced by A.
Protein change: p.Trp1624Ter; replaces tryptophan 1624 with a stop codon.
Molecular consequence: nonsense.
Genome position (GRCh38, 1-based): chr14:21,399,652, C>T on the plus strand (G>A on the coding strand, the complement: CHD8 is on the minus strand). VCF-style: chr14-21399652-C-T. GRCh37 (hg19) VCF-style: chr14-21867811-C-T.
Other names: c.4034G>A, p.Trp1345Ter (NM_020920.4); short protein forms W1624*, W1345*.
Identifiers: ClinVar variation 973313 (VCV000973313.6), dbSNP rs1555314122, ClinGen allele CA388888937.

ClinVar aggregate classification (germline): Pathogenic. Review status: criteria provided, multiple submitters, no conflicts (2 of 4 stars). 2 submissions from 2 submitters: Pathogenic (2). Last evaluated 2020-10-23.

Conditions:
Intellectual developmental disorder with autism and macrocephaly. Also called: Autism, susceptibility to, 18; CHD8-Related Neurodevelopmental Disorder with Overgrowth. Identifiers: Orphanet 642675, MedGen C3554373, MONDO:0014017, OMIM 615032.

Submissions (2):

Institute of Medical Genetics and Applied Genomics, University Hospital Tübingen
Classification: Pathogenic. Last evaluated: 2020-10-23. Review status: criteria provided, single submitter. Criteria: ACMG Guidelines, 2015. Collection method: clinical testing. Allele origin: germline. Inheritance: Unknown mechanism. Affected: yes.

Illumina Laboratory Services, Illumina
Classification: Pathogenic for Intellectual developmental disorder with autism and macrocephaly. Last evaluated: 2019-10-16. Review status: criteria provided, single submitter. Criteria: ICSLVariantClassificationCriteria RUGD 01 April 2020. Collection method: clinical testing. Allele origin: unknown.
Comment: The CHD8 c.4871G>A (p.Trp1624Ter) variant is a stop-gained variant that is predicted to result in premature truncation of the protein. A literature search was performed for the gene, cDNA change, and amino acid change. No publications were found based on this search. This variant is not found in the Genome Aggregation Database in a region of good sequencing coverage, so the variant is presumed to be rare. Based on the predicted truncating nature of the variant, its rarity, and identification in a de novo state, the p.Trp1624Ter variant is classified as pathogenic for autism spectrum disorder.